The following is an entry in ClinVar:

ClinVar aggregate classification (germline): Conflicting classifications of pathogenicity. Review status: criteria provided, conflicting classifications (1 of 4 stars). 3 submissions from 3 submitters: Uncertain significance (2); Likely benign (1). Last evaluated 2026-01-21.

Conditions:
Atelosteogenesis type III. Also called: Atelosteogenesis Type 3 (FLNB-AO3). Identifiers: Orphanet 56305, MedGen C3668942, MONDO:0007168, OMIM 108721.
Spondylocarpotarsal synostosis syndrome (SCT). Also called: SPONDYLOCARPOTARSAL SYNDROME; VERTEBRAL FUSION WITH CARPAL COALITION; Spondylocarpotarsal Synostosis Syndrome (FLNB-SCT); Synspondylism congenital; Scoliosis, congenital with unilateral unsegmented bar. Identifiers: Orphanet 3275, MedGen C1848934, MONDO:0010094, OMIM 272460.
Atelosteogenesis type I. Also called: GIANT CELL CHONDRODYSPLASIA; SPONDYLOHUMEROFEMORAL HYPOPLASIA; Atelosteogenesis Type 1 (FLNB-AO1). Identifiers: Orphanet 1190, MedGen C0265283, MONDO:0007167, OMIM 108720.
Boomerang dysplasia. Identifiers: Orphanet 1263, MedGen C0432201, MONDO:0007208, OMIM 112310.
Larsen syndrome (LRS). Also called: Bilateral dislocation of the knees, pes cavus, cylindrically shaped fingers and characteristic facies; Larsen syndrome (FLNB-LS). Identifiers: Orphanet 503, MedGen C0175778, MONDO:0007875, OMIM 150250. Disease mechanism: loss of function.

Allele frequency attached by ClinVar (database versions not stated): gnomAD exomes 0.00002; TOPMed 0.00003; ExAC 0.00009; 1000 Genomes Project 30x 0.00016; 1000 Genomes Project 0.00020; gnomAD 0.00001.
gnomAD v4.1: 38 of 1,614,088 alleles (0.0024%); highest among the groups gnomAD compares: South Asian, 0.011%; no homozygotes.

Submissions (3):

Labcorp Genetics (formerly Invitae), Labcorp
Classification: Likely benign. Last evaluated: 2026-01-21. Review status: criteria provided, single submitter. Criteria: Invitae Variant Classification Sherloc (09022015). Collection method: clinical testing. Allele origin: germline.

Women's Health and Genetics/Laboratory Corporation of America, LabCorp
Classification: Uncertain significance. Last evaluated: 2024-11-26. Review status: criteria provided, single submitter. Criteria: LabCorp Variant Classification Summary - May 2015. Collection method: clinical testing. Allele origin: germline.
Comment: Variant summary: FLNB c.2173G>A (p.Val725Met) results in a conservative amino acid change located in the Filamin/ABP280 repeat profile domain (IPR017868) of the encoded protein sequence. Four of five in-silico tools predict a damaging effect of the variant on protein function. The variant allele was found at a frequency of 5.6e-05 in 250398 control chromosomes. This frequency is not significantly higher than estimated for a pathogenic variant in FLNB causing Larsen Syndrome, allowing no conclusion about variant significance. To our knowledge, no occurrence of c.2173G>A in individuals affected with Larsen Syndrome and no experimental evidence demonstrating its impact on protein function have been reported. ClinVar contains an entry for this variant (Variation ID: 2890299). Based on the evidence outlined above, the variant was classified as VUS-possibly benign.

Juno Genomics, Hangzhou Juno Genomics, Inc
Classification: Uncertain significance for Atelosteogenesis type I; Atelosteogenesis type III; Boomerang dysplasia; Larsen syndrome; Spondylocarpotarsal synostosis syndrome. Review status: criteria provided, single submitter. Criteria: ACMG Guidelines, 2015. Collection method: clinical testing. Allele origin: germline.
Comment: Absent from controls (or at extremely low frequency if recessive) in Genome Aggregation Database.;Multiple lines of computational evidence support a deleterious effect on the gene or gene product.

NM_001457.4(FLNB):c.2173G>A (p.Val725Met)

Gene: FLNB (filamin B; plus strand). Cytogenetic location: 3p14.3.
Variant type: single nucleotide variant.
Coding change: c.2173G>A on transcript NM_001457.4 (MANE Select); coding-DNA position 2173, G replaced by A.
Protein change: p.Val725Met; replaces valine 725 with methionine.
Molecular consequence: missense variant.
Genome position (GRCh38, 1-based): chr3:58,109,296, G>A. VCF-style: chr3-58109296-G-A. GRCh37 (hg19) VCF-style: chr3-58095023-G-A.
Other names: c.2173G>A, p.Val725Met (NM_001164317.2, NM_001164318.2, NM_001164319.2); short protein forms V725M.
Identifiers: ClinVar variation 2890299 (VCV002890299.7), dbSNP rs201814013, ClinGen allele CA2468039.